The following is an entry in ClinVar:

NM_014363.6(SACS):c.10847G>A (p.Trp3616Ter)

Gene: SACS (sacsin molecular chaperone; minus strand). Cytogenetic location: 13q12.12.
Variant type: single nucleotide variant.
Coding change: c.10847G>A on transcript NM_014363.6 (MANE Select); coding-DNA position 10847, G replaced by A.
Protein change: p.Trp3616Ter; replaces tryptophan 3616 with a stop codon.
Molecular consequence: nonsense.
Genome position (GRCh38, 1-based): chr13:23,333,029, C>T on the plus strand (G>A on the coding strand, the complement: SACS is on the minus strand). VCF-style: chr13-23333029-C-T. GRCh37 (hg19) VCF-style: chr13-23907168-C-T.
Other names: c.10406G>A, p.Trp3469Ter (NM_001278055.2); short protein forms W3469*, W3616*.
Identifiers: ClinVar variation 663762 (VCV000663762.8), dbSNP rs1365858851, ClinGen allele CA387511288.
Genomic context (GRCh38, chr13:23,333,029, plus strand): 5'-CGTTCTTGGAATATATGATGCAGAAGGATATCAACTGTATTTTGCAATGTTTCTTTGGAC[C>T]AGTTTTCTGTATTAGCCCTCACACTGATTTCCTTAGCAAACTGTAACAACTGCTGCTGAG-3'

ClinVar aggregate classification (germline): Pathogenic (1 of 4 stars; one submission).

Conditions:
Spastic paraplegia. Identifiers: MedGen C0037772, HP:0001258.

Submission:

Labcorp Genetics (formerly Invitae), Labcorp
Classification: Pathogenic for Spastic paraplegia. Last evaluated: 2018-07-24. Review status: criteria provided, single submitter. Criteria: Invitae Variant Classification Sherloc (09022015). Collection method: clinical testing. Allele origin: germline.
Comment: A different truncation (p.Arg3903*) that lies downstream of this variant has been determined to be pathogenic (PMID: 19892370, 21745802). This suggests that deletion of this region of the SACS protein is causative of disease. For these reasons, this variant has been classified as Pathogenic. This variant has not been reported in the literature in individuals with SACS-related disease. This variant is not present in population databases (ExAC no frequency). This sequence change results in a premature translational stop signal in the SACS gene (p.Trp3616*). While this is not anticipated to result in nonsense mediated decay, it is expected to disrupt the last 964 amino acids of the SACS protein.

Literature cited by the submitters: PubMed 19892370; PubMed 21745802.